The following is an entry in ClinVar:

ClinVar aggregate classification (germline): Uncertain significance. Review status: criteria provided, multiple submitters, no conflicts (2 of 4 stars). 2 submissions from 2 submitters: Uncertain significance (2). Last evaluated 2022-10-05.

Allele frequency attached by ClinVar (database versions not stated): gnomAD exomes 0.00001 and 0.00003; ExAC 0.00003; gnomAD 0.00005 and 0.00006; TOPMed 0.00007.
gnomAD v4.1: 18 of 1,612,856 alleles (0.0011%); highest among the groups gnomAD compares: African/African-American, 0.017%; no homozygotes.

Submissions (2):

Blueprint Genetics
Classification: Uncertain significance. Last evaluated: 2022-10-05. Review status: criteria provided, single submitter. Criteria: ACMG Guidelines, 2015. Collection method: clinical testing. Allele origin: germline.

Labcorp Genetics (formerly Invitae), Labcorp
Classification: Uncertain significance. Last evaluated: 2021-11-06. Review status: criteria provided, single submitter. Criteria: Invitae Variant Classification Sherloc (09022015). Collection method: clinical testing. Allele origin: germline.
Comment: This variant is present in population databases (rs753332879, gnomAD 0.02%). This sequence change replaces glutamic acid, which is acidic and polar, with lysine, which is basic and polar, at codon 107 of the EPS8L2 protein (p.Glu107Lys). This variant has not been reported in the literature in individuals affected with EPS8L2-related conditions. Algorithms developed to predict the effect of missense changes on protein structure and function are either unavailable or do not agree on the potential impact of this missense change (SIFT: "Deleterious"; PolyPhen-2: "Possibly Damaging"; Align-GVGD: "Class C0"). In summary, the available evidence is currently insufficient to determine the role of this variant in disease. Therefore, it has been classified as a Variant of Uncertain Significance.

NM_022772.4(EPS8L2):c.319G>A (p.Glu107Lys)

Gene: EPS8L2 (EPS8 signaling adaptor L2; plus strand). Cytogenetic location: 11p15.5.
Variant type: single nucleotide variant.
Coding change: c.319G>A on transcript NM_022772.4 (MANE Select); coding-DNA position 319, G replaced by A.
Protein change: p.Glu107Lys; replaces glutamic acid 107 with lysine.
Molecular consequence: missense variant.
Genome position (GRCh38, 1-based): chr11:720,215, G>A. VCF-style: chr11-720215-G-A. GRCh37 (hg19) VCF-style: chr11-720215-G-A.
Other names: short protein forms E107K.
Identifiers: ClinVar variation 1361454 (VCV001361454.7), dbSNP rs753332879, ClinGen allele CA5787112.
Genomic context (GRCh38, chr11:720,215, plus strand): 5'-ATCTGGACCCAGGAGATGCTGCTGCAGGTGAACGACCAGTCGCTGCGGCTGCTGGACATC[G>A]AGTCACAGGTGGGGCCCAGCGCCACGGGGGACAGGGAGCACAGTGGGTAGAGGCGGTGGC-3'
Protein context (NP_073609.2, residues 97-117): NDQSLRLLDI[Glu107Lys]SQEELEDFPL